The following is an entry in ClinVar:

NM_020529.3(NFKBIA):c.468C>G (p.Cys156Trp)

Gene: NFKBIA (NFKB inhibitor alpha; minus strand). Cytogenetic location: 14q13.2.
Variant type: single nucleotide variant.
Coding change: c.468C>G on transcript NM_020529.3 (MANE Select); coding-DNA position 468, C replaced by G.
Protein change: p.Cys156Trp; replaces cysteine 156 with tryptophan.
Molecular consequence: missense variant.
Genome position (GRCh38, 1-based): chr14:35,403,229, G>C on the plus strand (C>G on the coding strand, the complement: NFKBIA is on the minus strand). VCF-style: chr14-35403229-G-C. GRCh37 (hg19) VCF-style: chr14-35872435-G-C.
Other names: short protein forms C156W.
Identifiers: ClinVar variation 4717461 (VCV004717461.1).

ClinVar aggregate classification (germline): Uncertain significance (1 of 4 stars; one submission).

Conditions:
Ectodermal dysplasia and immunodeficiency 2. Identifiers: Orphanet 238468, Orphanet 98813, MedGen C2677481, MONDO:0012806, OMIM 612132.

Submission:

Labcorp Genetics (formerly Invitae), Labcorp
Classification: Uncertain significance for Ectodermal dysplasia and immunodeficiency 2. Last evaluated: 2025-04-13. Review status: criteria provided, single submitter. Criteria: Invitae Variant Classification Sherloc (09022015). Collection method: clinical testing. Allele origin: germline.
Comment: This sequence change replaces cysteine, which is neutral and slightly polar, with tryptophan, which is neutral and slightly polar, at codon 156 of the NFKBIA protein (p.Cys156Trp). This variant is not present in population databases (gnomAD no frequency). This variant has not been reported in the literature in individuals affected with NFKBIA-related conditions. An algorithm developed to predict the effect of missense changes on protein structure and function (PolyPhen-2) suggests that this variant is likely to be disruptive. In summary, the available evidence is currently insufficient to determine the role of this variant in disease. Therefore, it has been classified as a Variant of Uncertain Significance.